The following is an entry in ClinVar:

NM_001378454.1(ALMS1):c.4639G>A (p.Ala1547Thr)

Gene: ALMS1 (ALMS1 centrosome and basal body associated protein; plus strand). Cytogenetic location: 2p13.1.
Variant type: single nucleotide variant.
Coding change: c.4639G>A on transcript NM_001378454.1 (MANE Select); coding-DNA position 4639, G replaced by A.
Protein change: p.Ala1547Thr; replaces alanine 1547 with threonine.
Molecular consequence: missense variant.
Genome position (GRCh38, 1-based): chr2:73,451,166, G>A. VCF-style: chr2-73451166-G-A. GRCh37 (hg19) VCF-style: chr2-73678293-G-A.
Other names: c.4642G>A, p.Ala1548Thr (NM_015120.4); short protein forms A1547T, A1548T.
Identifiers: ClinVar variation 1742122 (VCV001742122.6), dbSNP rs1340020798, ClinGen allele CA347278961.

ClinVar aggregate classification (germline): Uncertain significance. Review status: criteria provided, multiple submitters, no conflicts (2 of 4 stars). 2 submissions from 2 submitters: Uncertain significance (2). Last evaluated 2024-03-28.

Conditions:
Cardiovascular phenotype. Identifiers: MedGen CN230736.
Alstrom syndrome (ALMS). Identifiers: Orphanet 64, MedGen C0268425, MONDO:0008763, OMIM 203800.

Allele frequency attached by ClinVar (database versions not stated): gnomAD exomes below 0.00001; gnomAD 0.00001.
gnomAD v4.1: 8 of 1,613,646 alleles (0.0005%); highest among the groups gnomAD compares: Non-Finnish European, 0.00059%; no homozygotes.

Submissions (2):

Labcorp Genetics (formerly Invitae), Labcorp
Classification: Uncertain significance for Alstrom syndrome. Last evaluated: 2024-03-28. Review status: criteria provided, single submitter. Criteria: Invitae Variant Classification Sherloc (09022015). Collection method: clinical testing. Allele origin: germline.
Comment: This sequence change replaces alanine, which is neutral and non-polar, with threonine, which is neutral and polar, at codon 1548 of the ALMS1 protein (p.Ala1548Thr). This variant is present in population databases (no rsID available, gnomAD 0.002%). This variant has not been reported in the literature in individuals affected with ALMS1-related conditions. ClinVar contains an entry for this variant (Variation ID: 1742122). Algorithms developed to predict the effect of missense changes on protein structure and function output the following: SIFT: "Not Available"; PolyPhen-2: "Not Available"; Align-GVGD: "Not Available". The threonine amino acid residue is found in multiple mammalian species, which suggests that this missense change does not adversely affect protein function. In summary, the available evidence is currently insufficient to determine the role of this variant in disease. Therefore, it has been classified as a Variant of Uncertain Significance.

Ambry Genetics
Classification: Uncertain significance for Cardiovascular phenotype. Last evaluated: 2023-10-23. Review status: criteria provided, single submitter. Criteria: Ambry Variant Classification Scheme 2023. Collection method: clinical testing. Allele origin: germline.
Comment: The p.A1548T variant (also known as c.4642G>A), located in coding exon 8 of the ALMS1 gene, results from a G to A substitution at nucleotide position 4642. The alanine at codon 1548 is replaced by threonine, an amino acid with similar properties. This amino acid position is not well conserved in available vertebrate species. In addition, this alteration is predicted to be tolerated by in silico analysis. Since supporting evidence is limited at this time, the clinical significance of this alteration remains unclear.